The following is an entry in ClinVar:

NM_000059.4(BRCA2):c.7008-681T>C

Gene: BRCA2 (BRCA2 DNA repair associated; plus strand). Cytogenetic location: 13q13.1.
Variant type: single nucleotide variant.
Coding change: c.7008-681T>C on transcript NM_000059.4 (MANE Select); 681 bases into the intron before coding-DNA position 7008, T replaced by C.
Molecular consequence: intron variant.
Genome position (GRCh38, 1-based): chr13:32,354,180, T>C. VCF-style: chr13-32354180-T-C. GRCh37 (hg19) VCF-style: chr13-32928317-T-C.
Other names: IVS 13-681T>C.
Identifiers: ClinVar variation 209940 (VCV000209940.1), dbSNP rs206069, ClinGen allele CA276907.

ClinVar aggregate classification (germline): Benign (3 of 4 stars; one submission).

Conditions:
Breast-ovarian cancer, familial, susceptibility to, 2 (BROVCA2). Also called: BRCA2 Hereditary Breast and Ovarian Cancer. Identifiers: Orphanet 145, MedGen C2675520, MONDO:0012933, OMIM 612555. Disease mechanism: loss of function.

Allele frequency attached by ClinVar (database versions not stated): 1000 Genomes Project 30x 0.97455; 1000 Genomes Project 0.97584; TOPMed 0.97807; gnomAD 0.97898 and 0.98034.
gnomAD v4.1: 149,284 of 152,248 alleles (98%); highest among the groups gnomAD compares: East Asian, 100%; 73,256 homozygotes.

Submission:

Evidence-based Network for the Interpretation of Germline Mutant Alleles (ENIGMA)
Classification: Benign for Breast-ovarian cancer, familial 2. Last evaluated: 2015-01-12. Review status: reviewed by expert panel. Criteria: ENIGMA BRCA1/2 Classification Criteria (2015). Collection method: curation. Allele origin: germline.
Comment: Class 1 not pathogenic based on frequency >1% in an outbred sampleset. Frequency 0.9045 (African), derived from 1000 genomes (2012-04-30).